The following is an entry in ClinVar:

ClinVar aggregate classification (germline): Pathogenic. Review status: criteria provided, multiple submitters, no conflicts (2 of 4 stars). 2 submissions from 2 submitters: Pathogenic (2). Last evaluated 2023-04-12.

Conditions:
Hereditary cancer-predisposing syndrome. Also called: Neoplastic Syndromes, Hereditary; Tumor predisposition; Hereditary neoplastic syndrome; Hereditary Cancer Syndrome. Identifiers: Orphanet 140162, MedGen C0027672, MeSH D009386, MONDO:0015356.
Hereditary nonpolyposis colorectal neoplasms. Identifiers: MedGen C0009405, MeSH D003123.

Submissions (2):

Labcorp Genetics (formerly Invitae), Labcorp
Classification: Pathogenic for Hereditary nonpolyposis colorectal neoplasms. Last evaluated: 2023-04-12. Review status: criteria provided, single submitter. Criteria: Invitae Variant Classification Sherloc (09022015). Collection method: clinical testing. Allele origin: germline.
Comment: For these reasons, this variant has been classified as Pathogenic. ClinVar contains an entry for this variant (Variation ID: 823752). This variant has not been reported in the literature in individuals affected with MSH6-related conditions. This variant is not present in population databases (gnomAD no frequency). This sequence change creates a premature translational stop signal (p.Ser1141Valfs*23) in the MSH6 gene. It is expected to result in an absent or disrupted protein product. Loss-of-function variants in MSH6 are known to be pathogenic (PMID: 18269114, 24362816).

Ambry Genetics
Classification: Pathogenic for Hereditary cancer-predisposing syndrome. Last evaluated: 2019-10-23. Review status: criteria provided, single submitter. Criteria: Ambry Variant Classification Scheme 2023. Collection method: clinical testing. Allele origin: germline.
Comment: The c.3419dupA pathogenic mutation, located in coding exon 5 of the MSH6 gene, results from a duplication of A at nucleotide position 3419, causing a translational frameshift with a predicted alternate stop codon (p.S1141Vfs*23). This alteration is expected to result in loss of function by premature protein truncation or nonsense-mediated mRNA decay. As such, this alteration is interpreted as a disease-causing mutation.

Literature cited by the submitters: PubMed 18269114 (cited by Labcorp Genetics (formerly Invitae), Labcorp); PubMed 24362816 (cited by Labcorp Genetics (formerly Invitae), Labcorp).

NM_000179.3(MSH6):c.3419dup (p.Ser1141fs)

Gene: MSH6 (mutS homolog 6; plus strand). Cytogenetic location: 2p16.3.
Variant type: Duplication.
Coding change: c.3419dup on transcript NM_000179.3 (MANE Select); coding-DNA position 3419, one base duplicated (A; older notation c.3419dupA).
Protein change: p.Ser1141fs; shifts the reading frame from serine 1141.
Molecular consequence: frameshift variant.
Genome position (GRCh38, 1-based): chr2:47,803,666, A duplicated; the last of 2 consecutive A bases (chr2:47,803,665-47,803,666); duplicating either gives the same sequence. VCF-style (leftmost placement, unchanged base first): chr2-47803664-C-CA. GRCh37 (hg19) VCF-style: chr2-48030803-C-CA.
Other names: c.3029dup, p.Ser1011fs (NM_001281492.2); c.2513dup, p.Ser839fs (NM_001281493.2, NM_001281494.2); short protein forms S1011fs, S1141fs, S839fs.
Identifiers: ClinVar variation 823752 (VCV000823752.9), dbSNP rs1572736128, ClinGen allele CA915943954.